The following is an entry in ClinVar:

ClinVar aggregate classification (germline): Uncertain significance (1 of 4 stars; one submission).

Conditions:
Hereditary cancer-predisposing syndrome. Also called: Hereditary Cancer Syndrome; Tumor predisposition; Hereditary neoplastic syndrome; Neoplastic Syndromes, Hereditary. Identifiers: Orphanet 140162, MedGen C0027672, MeSH D009386, MONDO:0015356.
Cardiovascular phenotype. Identifiers: MedGen CN230736.

gnomAD v4.1: 2 of 1,614,186 alleles (0.00012%); highest among the groups gnomAD compares: Non-Finnish European, 0.00017%; no homozygotes.

Submission:

Ambry Genetics
Classification: Uncertain significance for Cardiovascular phenotype; Hereditary cancer-predisposing syndrome. Last evaluated: 2024-08-01. Review status: criteria provided, single submitter. Criteria: Ambry Variant Classification Scheme 2023. Collection method: clinical testing. Allele origin: germline.
Comment: The p.E1766V variant (also known as c.5297A>T), located in coding exon 37 of the NF1 gene, results from an A to T substitution at nucleotide position 5297. The glutamic acid at codon 1766 is replaced by valine, an amino acid with dissimilar properties. This amino acid position is conserved. In addition, this alteration is predicted to be deleterious by in silico analysis. Based on the available evidence, the clinical significance of this variant remains unclear.

NM_001042492.3(NF1):c.5360A>T (p.Glu1787Val)

Gene: NF1 (neurofibromin 1; plus strand). Cytogenetic location: 17q11.2.
Variant type: single nucleotide variant.
Coding change: c.5360A>T on transcript NM_001042492.3 (MANE Select); coding-DNA position 5360, A replaced by T.
Protein change: p.Glu1787Val; replaces glutamic acid 1787 with valine.
Molecular consequence: missense variant.
Genome position (GRCh38, 1-based): chr17:31,327,590, A>T. VCF-style: chr17-31327590-A-T. GRCh37 (hg19) VCF-style: chr17-29654608-A-T.
Other names: c.5297A>T, p.Glu1766Val (NM_000267.4); short protein forms E1787V, E1766V.
Identifiers: ClinVar variation 3404690 (VCV003404690.1).